The following is an entry in ClinVar:

NM_144573.4(NEXN):c.785G>A (p.Arg262Gln)

Gene: NEXN (nexilin F-actin binding protein; plus strand). Cytogenetic location: 1p31.1.
Variant type: single nucleotide variant.
Coding change: c.785G>A on transcript NM_144573.4 (MANE Select); coding-DNA position 785, G replaced by A.
Protein change: p.Arg262Gln; replaces arginine 262 with glutamine.
Molecular consequence: missense variant.
Genome position (GRCh38, 1-based): chr1:77,926,813, G>A. VCF-style: chr1-77926813-G-A. GRCh37 (hg19) VCF-style: chr1-78392498-G-A.
Other names: c.593G>A, p.Arg198Gln (NM_001172309.2); short protein forms R198Q, R262Q.
Identifiers: ClinVar variation 1328591 (VCV001328591.8), dbSNP rs369941497, ClinGen allele CA918732.

ClinVar aggregate classification (germline): Uncertain significance. Review status: criteria provided, multiple submitters, no conflicts (2 of 4 stars). 3 submissions from 3 submitters: Uncertain significance (3). Last evaluated 2026-01-25.

Conditions:
Dilated cardiomyopathy 1CC (CMD1CC). Identifiers: Orphanet 154, MedGen C2751084, MONDO:0013147, OMIM 613122.
Hypertrophic cardiomyopathy 20. Identifiers: MedGen C3151267, MONDO:0013477, OMIM 613876.
Cardiovascular phenotype. Identifiers: MedGen CN230736.

Allele frequency attached by ClinVar (database versions not stated): gnomAD 0.00001; TOPMed 0.00001.
gnomAD v4.1: 32 of 1,613,812 alleles (0.002%); highest among the groups gnomAD compares: South Asian, 0.0044%; no homozygotes.

Submissions (3):

Labcorp Genetics (formerly Invitae), Labcorp
Classification: Uncertain significance for Dilated cardiomyopathy 1CC; Hypertrophic cardiomyopathy 20. Last evaluated: 2026-01-25. Review status: criteria provided, single submitter. Criteria: Invitae Variant Classification Sherloc (09022015). Collection method: clinical testing. Allele origin: germline.
Comment: This sequence change replaces arginine, which is basic and polar, with glutamine, which is neutral and polar, at codon 262 of the NEXN protein (p.Arg262Gln). This variant is present in population databases (rs369941497, gnomAD 0.0009%). This variant has not been reported in the literature in individuals affected with NEXN-related conditions. ClinVar contains an entry for this variant (Variation ID: 1328591). Invitae Evidence Modeling of protein sequence and biophysical properties (such as structural, functional, and spatial information, amino acid conservation, physicochemical variation, residue mobility, and thermodynamic stability) indicates that this missense variant is not expected to disrupt NEXN protein function with a negative predictive value of 80%. In summary, the available evidence is currently insufficient to determine the role of this variant in disease. Therefore, it has been classified as a Variant of Uncertain Significance.

Ambry Genetics
Classification: Uncertain significance for Cardiovascular phenotype. Last evaluated: 2023-10-08. Review status: criteria provided, single submitter. Criteria: Ambry Variant Classification Scheme 2023. Collection method: clinical testing. Allele origin: germline.
Comment: The p.R262Q variant (also known as c.785G>A), located in coding exon 7 of the NEXN gene, results from a G to A substitution at nucleotide position 785. The arginine at codon 262 is replaced by glutamine, an amino acid with highly similar properties. This amino acid position is conserved. In addition, this alteration is predicted to be tolerated by in silico analysis. Since supporting evidence is limited at this time, the clinical significance of this alteration remains unclear.

GeneDx
Classification: Uncertain significance. Last evaluated: 2021-06-14. Review status: criteria provided, single submitter. Criteria: GeneDx Variant Classification Process June 2021. Collection method: clinical testing. Allele origin: germline. Affected: yes.
Comment: Has not been previously published as pathogenic or benign to our knowledge; Not observed at significant frequency in large population cohorts (Lek et al., 2016); In silico analysis supports that this missense variant does not alter protein structure/function